The following is an entry in ClinVar:

ClinVar aggregate classification (germline): Uncertain significance. Review status: criteria provided, multiple submitters, no conflicts (2 of 4 stars). 2 submissions from 2 submitters: Uncertain significance (2). Last evaluated 2024-03-28.

Conditions:
Hereditary cancer-predisposing syndrome. Also called: Tumor predisposition; Neoplastic Syndromes, Hereditary; Hereditary neoplastic syndrome; Hereditary Cancer Syndrome. Identifiers: Orphanet 140162, MedGen C0027672, MeSH D009386, MONDO:0015356.
Familial cancer of breast. Also called: Hereditary breast cancer; BREAST CANCER, FAMILIAL; hereditary breast carcinoma. Identifiers: Orphanet 227535, MedGen C0346153, MONDO:0016419, OMIM 114480. Disease mechanism: loss of function.

Submissions (2):

Ambry Genetics
Classification: Uncertain significance for Hereditary cancer-predisposing syndrome. Last evaluated: 2024-03-28. Review status: criteria provided, single submitter. Criteria: Ambry Variant Classification Scheme 2023. Collection method: clinical testing. Allele origin: germline.
Comment: The c.211+3A>G intronic variant results from an A to G substitution 3 nucleotides after coding exon 3 in the PALB2 gene. This nucleotide position is well conserved in available vertebrate species. In silico splice site analysis for this alteration is inconclusive. Based on the available evidence, the clinical significance of this alteration remains unclear.

Labcorp Genetics (formerly Invitae), Labcorp
Classification: Uncertain significance for Familial cancer of breast. Last evaluated: 2022-09-02. Review status: criteria provided, single submitter. Criteria: Invitae Variant Classification Sherloc (09022015). Collection method: clinical testing. Allele origin: germline.
Comment: Variants that disrupt the consensus splice site are a relatively common cause of aberrant splicing (PMID: 17576681, 9536098). Algorithms developed to predict the effect of sequence changes on RNA splicing suggest that this variant is not likely to affect RNA splicing. ClinVar contains an entry for this variant (Variation ID: 1017791). This variant has not been reported in the literature in individuals affected with PALB2-related conditions. This variant is not present in population databases (gnomAD no frequency). This sequence change falls in intron 3 of the PALB2 gene. It does not directly change the encoded amino acid sequence of the PALB2 protein. It affects a nucleotide within the consensus splice site. In summary, the available evidence is currently insufficient to determine the role of this variant in disease. Therefore, it has been classified as a Variant of Uncertain Significance.

Literature cited by the submitters: PubMed 17576681 (cited by Labcorp Genetics (formerly Invitae), Labcorp); PubMed 9536098 (cited by Labcorp Genetics (formerly Invitae), Labcorp).

NM_024675.4(PALB2):c.211+3A>G

Gene: PALB2 (partner and localizer of BRCA2; minus strand). Cytogenetic location: 16p12.2.
Variant type: single nucleotide variant.
Coding change: c.211+3A>G on transcript NM_024675.4 (MANE Select); 3 bases into the intron after coding-DNA position 211, A replaced by G.
Molecular consequence: intron variant.
Genome position (GRCh38, 1-based): chr16:23,637,847, T>C on the plus strand (A>G on the coding strand, the complement: PALB2 is on the minus strand). VCF-style: chr16-23637847-T-C. GRCh37 (hg19) VCF-style: chr16-23649168-T-C.
Other names: c.211+3A>G (NM_024675.3).
Identifiers: ClinVar variation 1017791 (VCV001017791.8), dbSNP rs1324112672, ClinGen allele CA2213433664.
Genomic context (GRCh38, chr16:23,637,847, plus strand): 5'-ATAGCCAAAATATACCTGGGAAATGAATAATAAAGCAGGCATAAGTGAATGGTCTAGATT[T>C]ACCTGAGTGTTTTAGCTGCGGTGAGAGATCCTGCTGAGACAAACAATCTTGTTCTTCTAC-3'